The following is an entry in ClinVar:

NM_000540.3(RYR1):c.12856G>A (p.Ala4286Thr)

Gene: RYR1 (ryanodine receptor 1; plus strand). Cytogenetic location: 19q13.2.
Variant type: single nucleotide variant.
Coding change: c.12856G>A on transcript NM_000540.3 (MANE Select); coding-DNA position 12856, G replaced by A.
Protein change: p.Ala4286Thr; replaces alanine 4286 with threonine.
Molecular consequence: missense variant.
Genome position (GRCh38, 1-based): chr19:38,565,190, G>A. VCF-style: chr19-38565190-G-A. GRCh37 (hg19) VCF-style: chr19-39055830-G-A.
Other names: c.12841G>A, p.Ala4281Thr (NM_001042723.2); short protein forms A4281T, A4286T.
Identifiers: ClinVar variation 4629731 (VCV004629731.2).

ClinVar aggregate classification (germline): Uncertain significance. Review status: criteria provided, multiple submitters, no conflicts (2 of 4 stars). 2 submissions from 2 submitters: Uncertain significance (2). Last evaluated 2025-12-28.

Conditions:
Inborn genetic diseases. Identifiers: MedGen C0950123, MeSH D030342.
RYR1-related disorder. Also called: RYR1-related condition; RYR1-related disorders. Identifiers: MedGen CN239331.

gnomAD v4.1: 3 of 1,048,846 alleles (0.00029%); highest among the groups gnomAD compares: African/African-American, 0.0052%; no homozygotes.

Submissions (2):

Labcorp Genetics (formerly Invitae), Labcorp
Classification: Uncertain significance for RYR1-related disorder. Last evaluated: 2025-12-28. Review status: criteria provided, single submitter. Criteria: Invitae Variant Classification Sherloc (09022015). Collection method: clinical testing. Allele origin: germline.
Comment: This sequence change replaces alanine, which is neutral and non-polar, with threonine, which is neutral and polar, at codon 4286 of the RYR1 protein (p.Ala4286Thr). This variant is present in population databases (no rsID available, gnomAD no frequency). This variant has not been reported in the literature in individuals affected with RYR1-related conditions. Invitae Evidence Modeling of protein sequence and biophysical properties (such as structural, functional, and spatial information, amino acid conservation, physicochemical variation, residue mobility, and thermodynamic stability) indicates that this missense variant is not expected to disrupt RYR1 protein function with a negative predictive value of 80%. In summary, the available evidence is currently insufficient to determine the role of this variant in disease. Therefore, it has been classified as a Variant of Uncertain Significance.

Ambry Genetics
Classification: Uncertain significance for Inborn genetic diseases. Last evaluated: 2025-11-05. Review status: criteria provided, single submitter. Criteria: Ambry Variant Classification Scheme 2023. Collection method: clinical testing. Allele origin: germline.